The following is an entry in ClinVar:

ClinVar aggregate classification (germline): Uncertain significance (1 of 4 stars; one submission).

Submission:

Center for Genomic Medicine, Rigshospitalet, Copenhagen University Hospital
Classification: Uncertain significance. Last evaluated: 2025-12-29. Review status: criteria provided, single submitter. Criteria: ACMG Guidelines, 2015. Collection method: clinical testing. Allele origin: germline.
Comment: Classification criteria: PP3, PM2_supporting

NM_006231.4(POLE):c.1102G>T (p.Asp368Tyr)

Gene: POLE (DNA polymerase epsilon, catalytic subunit; minus strand). Cytogenetic location: 12q24.33.
Variant type: single nucleotide variant.
Coding change: c.1102G>T on transcript NM_006231.4 (MANE Select); coding-DNA position 1102, G replaced by T.
Protein change: p.Asp368Tyr; replaces aspartic acid 368 with tyrosine.
Molecular consequence: missense variant.
Genome position (GRCh38, 1-based): chr12:132,675,739, C>A on the plus strand (G>T on the coding strand, the complement: POLE is on the minus strand). VCF-style: chr12-132675739-C-A. GRCh37 (hg19) VCF-style: chr12-133252325-C-A.
Other names: short protein forms D368Y.
Identifiers: ClinVar variation 4539349 (VCV004539349.1).
Genomic context (GRCh38, chr12:132,675,739, plus strand): 5'-CAACGCCCTCCCTCTCAAATGCTGCCCAGTTACTCATAGAGAAGACACAGACTCACCAGT[C>A]AAAAAAGTCCCCGTTGTAGGTGACCATGATGGTGGGTTTGGTCTCCTGGACGTGTTCAAA-3'
Protein context (NP_006222.2, residues 358-378): IMVTYNGDFF[Asp368Tyr]WPFVEARAAV